The following is an entry in ClinVar:

NM_001385641.1(SAMD11):c.1881del (p.Glu627fs)

Gene: SAMD11 (sterile alpha motif domain containing 11; plus strand). Cytogenetic location: 1p36.33.
Variant type: Deletion.
Coding change: c.1881del on transcript NM_001385641.1 (MANE Select); coding-DNA position 1881, one base deleted (G; older notation c.1881delG).
Protein change: p.Glu627fs; shifts the reading frame from glutamic acid 627.
Molecular consequence: frameshift variant.
Genome position (GRCh38, 1-based): chr1:942,886, G deleted. VCF-style (leftmost placement, unchanged base first): chr1-942885-AG-A. GRCh37 (hg19) VCF-style: chr1-878265-AG-A.
Other names: c.1884del, p.Glu628fs (NM_001385640.1); c.1392del, p.Glu464fs (NM_152486.4); short protein forms E464fs, E628fs, E627fs.
Identifiers: ClinVar variation 2049593 (VCV002049593.4), dbSNP rs2522716206, ClinGen allele CA2574221020.

ClinVar aggregate classification (germline): Uncertain significance (1 of 4 stars; one submission).

Allele frequency attached by ClinVar (database versions not stated): gnomAD exomes below 0.00001.

Submission:

Labcorp Genetics (formerly Invitae), Labcorp
Classification: Uncertain significance. Last evaluated: 2022-06-04. Review status: criteria provided, single submitter. Criteria: Invitae Variant Classification Sherloc (09022015). Collection method: clinical testing. Allele origin: germline.
Comment: This sequence change creates a premature translational stop signal (p.Glu464Aspfs*61) in the SAMD11 gene. It is expected to result in an absent or disrupted protein product. However, the current clinical and genetic evidence is not sufficient to establish whether loss-of-function variants in SAMD11 cause disease. This variant is not present in population databases (gnomAD no frequency). This variant has not been reported in the literature in individuals affected with SAMD11-related conditions. In summary, the available evidence is currently insufficient to determine the role of this variant in disease. Therefore, it has been classified as a Variant of Uncertain Significance.